The following is an entry in ClinVar:

ClinVar aggregate classification (germline): Uncertain significance (1 of 4 stars; one submission).

Submission:

GeneDx
Classification: Uncertain significance. Last evaluated: 2024-10-07. Review status: criteria provided, single submitter. Criteria: GeneDx Variant Classification Process June 2021. Collection method: clinical testing. Allele origin: germline. Affected: yes.
Comment: Not observed at significant frequency in large population cohorts (gnomAD); In silico analysis supports that this missense variant has a deleterious effect on protein structure/function; Has not been previously published as pathogenic or benign to our knowledge

NM_001330360.2(POLA1):c.3719T>C (p.Leu1240Pro)

Gene: POLA1 (DNA polymerase alpha 1, catalytic subunit; plus strand). Cytogenetic location: Xp22.11.
Variant type: single nucleotide variant.
Coding change: c.3719T>C on transcript NM_001330360.2 (MANE Select); coding-DNA position 3719, T replaced by C.
Protein change: p.Leu1240Pro; replaces leucine 1240 with proline.
Molecular consequence: missense variant. On other transcripts: non-coding transcript variant (2).
Genome position (GRCh38, 1-based): chrX:24,826,584, T>C. VCF-style: chrX-24826584-T-C. GRCh37 (hg19) VCF-style: chrX-24844701-T-C.
Other names: c.3644T>C, p.Leu1215Pro (NM_001378303.1); c.3701T>C, p.Leu1234Pro (NM_016937.4); short protein forms L1215P, L1234P, L1240P.
Identifiers: ClinVar variation 3776715 (VCV003776715.1).
Genomic context (GRCh38, chrX:24,826,584, plus strand): 5'-AGCAGATCCACCCAGTCGTGGCTCGGATCTGTGAACCAATAGACGGAATTGATGCTGTCC[T>C]CATTGCAACGTGGTTGGGTAAGTGTCCCAAGCTCACATAGAACCTCACATGGTAACAGGG-3'
Protein context (NP_001317289.1, residues 1230-1250): CEPIDGIDAV[Leu1240Pro]IATWLGLDPT